The following is an entry in ClinVar:

ClinVar aggregate classification (germline): Uncertain significance (1 of 4 stars; one submission).

Submission:

Labcorp Genetics (formerly Invitae), Labcorp
Classification: Uncertain significance. Last evaluated: 2023-02-18. Review status: criteria provided, single submitter. Criteria: Invitae Variant Classification Sherloc (09022015). Collection method: clinical testing. Allele origin: germline.
Comment: In summary, the available evidence is currently insufficient to determine the role of this variant in disease. Therefore, it has been classified as a Variant of Uncertain Significance. An algorithm developed to predict the effect of missense changes on protein structure and function (PolyPhen-2) suggests that this variant is likely to be disruptive. This variant has not been reported in the literature in individuals affected with AMER1-related conditions. This variant is not present in population databases (gnomAD no frequency). This sequence change replaces threonine, which is neutral and polar, with isoleucine, which is neutral and non-polar, at codon 455 of the AMER1 protein (p.Thr455Ile).

NM_152424.4(AMER1):c.1364C>T (p.Thr455Ile)

Gene: AMER1 (APC membrane recruitment protein 1; minus strand). Cytogenetic location: Xq11.2.
Variant type: single nucleotide variant.
Coding change: c.1364C>T on transcript NM_152424.4 (MANE Select); coding-DNA position 1364, C replaced by T.
Protein change: p.Thr455Ile; replaces threonine 455 with isoleucine.
Molecular consequence: missense variant.
Genome position (GRCh38, 1-based): chrX:64,191,923, G>A on the plus strand (C>T on the coding strand, the complement: AMER1 is on the minus strand). VCF-style: chrX-64191923-G-A. GRCh37 (hg19) VCF-style: chrX-63411803-G-A.
Other names: short protein forms T455I.
Identifiers: ClinVar variation 2977003 (VCV002977003.3), dbSNP rs755420795, ClinGen allele CA413307908.